The following is an entry in ClinVar:

NM_020778.5(ALPK3):c.1368C>G (p.Ser456Arg)

Gene: ALPK3 (alpha kinase 3; plus strand). Cytogenetic location: 15q25.3.
Variant type: single nucleotide variant.
Coding change: c.1368C>G on transcript NM_020778.5 (MANE Select); coding-DNA position 1368, C replaced by G.
Protein change: p.Ser456Arg; replaces serine 456 with arginine.
Molecular consequence: missense variant.
Genome position (GRCh38, 1-based): chr15:84,840,647, C>G. VCF-style: chr15-84840647-C-G. GRCh37 (hg19) VCF-style: chr15-85383878-C-G.
Other names: c.1974C>G (NM_020778.4); short protein forms S456R.
Identifiers: ClinVar variation 1518538 (VCV001518538.9), dbSNP rs375574739, ClinGen allele CA273666309.

ClinVar aggregate classification (germline): Conflicting classifications of pathogenicity. Review status: criteria provided, conflicting classifications (1 of 4 stars). 2 submissions from 2 submitters: Uncertain significance (1); Likely benign (1). Last evaluated 2026-04-07.

Conditions:
Cardiovascular phenotype. Identifiers: MedGen CN230736.

Allele frequency attached by ClinVar (database versions not stated): TOPMed 0.00001; gnomAD 0.00002 and 0.00003.
gnomAD v4.1: 35 of 1,574,046 alleles (0.0022%); highest among the groups gnomAD compares: African/African-American, 0.026%; no homozygotes.

Submissions (2):

Ambry Genetics
Classification: Likely benign for Cardiovascular phenotype. Last evaluated: 2026-04-07. Review status: criteria provided, single submitter. Criteria: Ambry Variant Classification Scheme 2023. Collection method: clinical testing. Allele origin: germline.

Labcorp Genetics (formerly Invitae), Labcorp
Classification: Uncertain significance. Last evaluated: 2025-12-01. Review status: criteria provided, single submitter. Criteria: Invitae Variant Classification Sherloc (09022015). Collection method: clinical testing. Allele origin: germline.
Comment: This sequence change replaces serine, which is neutral and polar, with arginine, which is basic and polar, at codon 658 of the ALPK3 protein (p.Ser658Arg). This variant is present in population databases (rs375574739, gnomAD 0.01%). This variant has not been reported in the literature in individuals affected with ALPK3-related conditions. ClinVar contains an entry for this variant (Variation ID: 1518538). Invitae Evidence Modeling of protein sequence and biophysical properties (such as structural, functional, and spatial information, amino acid conservation, physicochemical variation, residue mobility, and thermodynamic stability) indicates that this missense variant is not expected to disrupt ALPK3 protein function with a negative predictive value of 80%. In summary, the available evidence is currently insufficient to determine the role of this variant in disease. Therefore, it has been classified as a Variant of Uncertain Significance.